The following is an entry in ClinVar:

NM_017838.4(NHP2):c.80T>A (p.Leu27Gln)

Gene: NHP2 (NHP2 ribonucleoprotein; minus strand). Cytogenetic location: 5q35.3.
Variant type: single nucleotide variant.
Coding change: c.80T>A on transcript NM_017838.4 (MANE Select); coding-DNA position 80, T replaced by A.
Protein change: p.Leu27Gln; replaces leucine 27 with glutamine.
Molecular consequence: missense variant.
Genome position (GRCh38, 1-based): chr5:178,153,738, A>T on the plus strand (T>A on the coding strand, the complement: NHP2 is on the minus strand). VCF-style: chr5-178153738-A-T. GRCh37 (hg19) VCF-style: chr5-177580739-A-T.
Other names: c.80T>A, p.Leu27Gln (NM_001034833.2, NM_001396110.1); short protein forms L27Q.
Identifiers: ClinVar variation 2141966 (VCV002141966.4), dbSNP rs1756334230, ClinGen allele CA362392982.

ClinVar aggregate classification (germline): Uncertain significance (1 of 4 stars; one submission).

Conditions:
Dyskeratosis congenita. Identifiers: Orphanet 1775, MedGen C0265965, MONDO:0015780.

Allele frequency attached by ClinVar (database versions not stated): TOPMed below 0.00001.

Submission:

Labcorp Genetics (formerly Invitae), Labcorp
Classification: Uncertain significance for Dyskeratosis congenita. Last evaluated: 2022-07-17. Review status: criteria provided, single submitter. Criteria: Invitae Variant Classification Sherloc (09022015). Collection method: clinical testing. Allele origin: germline.
Comment: This variant has not been reported in the literature in individuals affected with NHP2-related conditions. This variant is not present in population databases (gnomAD no frequency). This sequence change replaces leucine, which is neutral and non-polar, with glutamine, which is neutral and polar, at codon 27 of the NHP2 protein (p.Leu27Gln). Algorithms developed to predict the effect of missense changes on protein structure and function (SIFT, PolyPhen-2, Align-GVGD) all suggest that this variant is likely to be tolerated. In summary, the available evidence is currently insufficient to determine the role of this variant in disease. Therefore, it has been classified as a Variant of Uncertain Significance.